The following is an entry in ClinVar:

ClinVar aggregate classification (germline): Uncertain significance. Review status: criteria provided, multiple submitters, no conflicts (2 of 4 stars). 5 submissions from 5 submitters: Uncertain significance (4). 1 of the submissions does not count toward it. Last evaluated 2024-04-29.

Conditions:
Medulloblastoma (MDB). Also called: MEDULLOBLASTOMA PREDISPOSITION SYNDROME; Medulloblastoma, somatic. Identifiers: Orphanet 616, MedGen C0025149, MeSH D008527, MONDO:0007959, OMIM 155255, HP:0002885.
Familial dysautonomia. Also called: FD; HSAN III. Identifiers: Orphanet 1764, MedGen C0013364, MONDO:0009131, OMIM 223900. Disease mechanism: loss of function.

Allele frequency attached by ClinVar (database versions not stated): ExAC 0.00002; gnomAD exomes 0.00002 and 0.00003; TOPMed 0.00002.

Submissions (5):

Fulgent Genetics
Classification: Uncertain significance for Medulloblastoma; Familial dysautonomia. Last evaluated: 2024-04-29. Review status: criteria provided, single submitter. Criteria: ACMG Guidelines, 2015. Collection method: clinical testing. Allele origin: germline.

Labcorp Genetics (formerly Invitae), Labcorp
Classification: Uncertain significance. Last evaluated: 2021-10-05. Review status: criteria provided, single submitter. Criteria: Invitae Variant Classification Sherloc (09022015). Collection method: clinical testing. Allele origin: germline.
Comment: This sequence change replaces glutamine with leucine at codon 983 of the ELP1 protein (p.Gln983Leu). The glutamine residue is weakly conserved and there is a moderate physicochemical difference between glutamine and leucine. This variant is present in population databases (rs749200669, ExAC 0.004%). This variant has not been reported in the literature in individuals affected with ELP1-related conditions. ClinVar contains an entry for this variant (Variation ID: 242310). Algorithms developed to predict the effect of missense changes on protein structure and function output the following: SIFT: "Tolerated"; PolyPhen-2: "Benign"; Align-GVGD: "Class C0". The leucine amino acid residue is found in multiple mammalian species, which suggests that this missense change does not adversely affect protein function. In summary, the available evidence is currently insufficient to determine the role of this variant in disease. Therefore, it has been classified as a Variant of Uncertain Significance.

Ambry Genetics
Classification: Uncertain significance. Last evaluated: 2021-08-15. Review status: criteria provided, single submitter. Criteria: Ambry Variant Classification Scheme 2023. Collection method: clinical testing. Allele origin: germline.
Comment: The p.Q983L variant (also known as c.2948A>T), located in coding exon 26 of the IKBKAP gene, results from an A to T substitution at nucleotide position 2948. The glutamine at codon 983 is replaced by leucine, an amino acid with dissimilar properties. This amino acid position is conserved. In addition, this alteration is predicted to be tolerated by in silico analysis. Since supporting evidence is limited at this time, the clinical significance of this alteration remains unclear.

GeneDx
Classification: Uncertain significance. Last evaluated: 2017-02-09. Review status: criteria provided, single submitter. Criteria: GeneDx Variant Classification (06012015). Collection method: clinical testing. Allele origin: germline. Affected: yes.
Comment: The Q983L variant has not been published as a pathogenic variant, nor has it been reported as a benign variant to our knowledge. It was not observed in approximately 6,500 individuals of European and African American ancestry in the NHLBI Exome Sequencing Project, indicating it is not a common benign variant in these populations. The Q983L variant is a non-conservative amino acid substitution, which is likely to impact secondary protein structure as these residues differ in polarity, charge, size and/or other properties. However, this substitution occurs at a position that is not conserved, and in silico analysis predicts this variant likely does not alter the protein structure/function. Therefore, based on the currently available information, it is unclear whether this variant is a pathogenic variant or a rare benign variant.

Natera, Inc.
Classification: Uncertain significance for Familial dysautonomia. Last evaluated: 2020-09-16. Review status: no assertion criteria provided. Collection method: clinical testing. Allele origin: germline. Not counted in ClinVar's aggregate classification.

NM_003640.5(ELP1):c.2948A>T (p.Gln983Leu)

Gene: ELP1 (elongator acetyltransferase complex subunit 1; minus strand). Cytogenetic location: 9q31.3.
Variant type: single nucleotide variant.
Coding change: c.2948A>T on transcript NM_003640.5 (MANE Select); coding-DNA position 2948, A replaced by T.
Protein change: p.Gln983Leu; replaces glutamine 983 with leucine.
Molecular consequence: missense variant.
Genome position (GRCh38, 1-based): chr9:108,892,996, T>A on the plus strand (A>T on the coding strand, the complement: ELP1 is on the minus strand). VCF-style: chr9-108892996-T-A. GRCh37 (hg19) VCF-style: chr9-111655276-T-A.
Other names: c.2948A>T (LRG_251t1); c.2606A>T, p.Gln869Leu (NM_001318360.2); c.1901A>T, p.Gln634Leu (NM_001330749.2); short protein forms Q983L, Q634L, Q869L.
Identifiers: ClinVar variation 242310 (VCV000242310.9), dbSNP rs749200669, ClinGen allele CA5174492.